The following is an entry in ClinVar:

NM_015967.8(PTPN22):c.1514C>G (p.Ser505Cys)

Genes: AP4B1-AS1 (AP4B1 antisense RNA 1; plus strand), PTPN22 (protein tyrosine phosphatase non-receptor type 22; minus strand). Cytogenetic location: 1p13.2.
Variant type: single nucleotide variant.
Coding change: c.1514C>G on transcript NM_015967.8 (MANE Select); coding-DNA position 1514, C replaced by G.
Protein change: p.Ser505Cys; replaces serine 505 with cysteine.
Molecular consequence: missense variant.
Genome position (GRCh38, 1-based): chr1:113,837,886, G>C on the plus strand (C>G on the coding strand, the complement: PTPN22 is on the minus strand). VCF-style: chr1-113837886-G-C. GRCh37 (hg19) VCF-style: chr1-114380508-G-C.
Other names: c.1514C>G, p.Ser505Cys (NM_001193431.3); c.1442C>G, p.Ser481Cys (NM_001308297.2); c.1349C>G, p.Ser450Cys (NM_012411.6); short protein forms S450C, S505C, S481C.
Identifiers: ClinVar variation 750395 (VCV000750395.8), dbSNP rs570783720, ClinGen allele CA1015021.
Genomic context (GRCh38, chr1:113,837,886, plus strand): 5'-ACACCAAGAGCACTAGAGTCATGGTGCTTTACATTAGAGGCATTACGTATTTGGTGTTTA[G>C]AGTCATATGGCAGTGAATAATTCAGTTCTGCTGAAGAAACATGCATTACTTTTTGAGCCT-3'
Protein context (NP_057051.4, residues 495-515): AELNYSLPYD[Ser505Cys]KHQIRNASNV

ClinVar aggregate classification (germline): Benign. Review status: criteria provided, multiple submitters, no conflicts (2 of 4 stars). 3 submissions from 3 submitters: Benign (2). 1 of the submissions does not count toward it. Last evaluated 2019-12-31.

Conditions:
PTPN22-related disorder. Also called: PTPN22-related condition.

Allele frequency attached by ClinVar (database versions not stated): gnomAD 0.00009 and 0.00089; TOPMed 0.00024; gnomAD exomes 0.00128 and 0.00284; ExAC 0.00320; 1000 Genomes Project 0.00699; 1000 Genomes Project 30x 0.00703.
gnomAD v4.1: 2,022 of 1,614,104 alleles (0.13%); highest among the groups gnomAD compares: South Asian, 2.1%; 50 homozygotes.

Submissions (3):

Labcorp Genetics (formerly Invitae), Labcorp
Classification: Benign. Last evaluated: 2019-12-31. Review status: criteria provided, single submitter. Criteria: Invitae Variant Classification Sherloc (09022015). Collection method: clinical testing. Allele origin: germline.

Breakthrough Genomics
Classification: Benign. Review status: criteria provided, single submitter. Criteria: ACMG Guidelines, 2015. Collection method: not provided. Allele origin: germline. Inheritance: Autosomal recessive inheritance. Affected: yes.

PreventionGenetics, part of Exact Sciences
Classification: Benign for PTPN22-related condition. Last evaluated: 2019-04-05. Review status: no assertion criteria provided. Collection method: clinical testing. Allele origin: germline. Not counted in ClinVar's aggregate classification.
Comment: This variant is classified as benign based on ACMG/AMP sequence variant interpretation guidelines (Richards et al. 2015 PMID: 25741868, with internal and published modifications).